The following is an entry in ClinVar:

NM_001099402.2(CCNK):c.451A>G (p.Ile151Val)

Genes: CCDC85C (coiled-coil domain containing 85C; minus strand), CCNK (cyclin K; plus strand). Cytogenetic location: 14q32.2.
Variant type: single nucleotide variant.
Coding change: c.451A>G on transcript NM_001099402.2 (MANE Select); coding-DNA position 451, A replaced by G.
Protein change: p.Ile151Val; replaces isoleucine 151 with valine.
Molecular consequence: missense variant. On other transcripts: 3 prime UTR variant (1).
Genome position (GRCh38, 1-based): chr14:99,500,805, A>G. VCF-style: chr14-99500805-A-G. GRCh37 (hg19) VCF-style: chr14-99967142-A-G.
Other names: c.*14441T>C (NM_001144995.2); short protein forms I151V.
Identifiers: ClinVar variation 2429046 (VCV002429046.4), dbSNP rs1470435323, ClinGen allele CA390942922.

ClinVar aggregate classification (germline): Uncertain significance (1 of 4 stars; one submission).

Allele frequency attached by ClinVar (database versions not stated): gnomAD 0.00001; gnomAD exomes 0.00001; TOPMed 0.00001.
gnomAD v4.1: 9 of 1,567,738 alleles (0.00057%); highest among the groups gnomAD compares: South Asian, 0.0012%; no homozygotes.

Submission:

Greenwood Genetic Center Diagnostic Laboratories, Greenwood Genetic Center
Classification: Uncertain significance. Last evaluated: 2022-12-20. Review status: criteria provided, single submitter. Criteria: ACMG Guidelines, 2015. Collection method: clinical testing. Allele origin: germline. Affected: yes.
Comment: Gene of uncertain significance for missense changes